The following is an entry in ClinVar:

ClinVar aggregate classification (germline): Uncertain significance (1 of 4 stars; one submission).

Conditions:
Glanzmann thrombasthenia. Also called: BLEEDING DISORDER, PLATELET-TYPE, 2; THROMBASTHENIA OF GLANZMANN AND NAEGELI; Thrombasthenia; PLATELET GLYCOPROTEIN IIb-IIIa DEFICIENCY; Glanzmann's thrombasthenia. Identifiers: Orphanet 849, MedGen C0040015, MONDO:0100326.

gnomAD v4.1: 8 of 1,613,272 alleles (0.0005%); highest among the groups gnomAD compares: Non-Finnish European, 0.00068%; no homozygotes.

Submission:

Labcorp Genetics (formerly Invitae), Labcorp
Classification: Uncertain significance for Glanzmann thrombasthenia. Last evaluated: 2025-12-15. Review status: criteria provided, single submitter. Criteria: Invitae Variant Classification Sherloc (09022015). Collection method: clinical testing. Allele origin: germline.
Comment: This sequence change replaces alanine, which is neutral and non-polar, with glycine, which is neutral and non-polar, at codon 675 of the ITGA2B protein (p.Ala675Gly). This variant is present in population databases (no rsID available, gnomAD 0.0009%). This variant has not been reported in the literature in individuals affected with ITGA2B-related conditions. Invitae Evidence Modeling of protein sequence and biophysical properties (such as structural, functional, and spatial information, amino acid conservation, physicochemical variation, residue mobility, and thermodynamic stability) indicates that this missense variant is expected to disrupt ITGA2B protein function with a positive predictive value of 95%. In summary, the available evidence is currently insufficient to determine the role of this variant in disease. Therefore, it has been classified as a Variant of Uncertain Significance.

NM_000419.5(ITGA2B):c.2024C>G (p.Ala675Gly)

Gene: ITGA2B (integrin subunit alpha 2b; minus strand). Cytogenetic location: 17q21.31.
Variant type: single nucleotide variant.
Coding change: c.2024C>G on transcript NM_000419.5 (MANE Select); coding-DNA position 2024, C replaced by G.
Protein change: p.Ala675Gly; replaces alanine 675 with glycine.
Molecular consequence: missense variant.
Genome position (GRCh38, 1-based): chr17:44,378,432, G>C on the plus strand (C>G on the coding strand, the complement: ITGA2B is on the minus strand). VCF-style: chr17-44378432-G-C. GRCh37 (hg19) VCF-style: chr17-42455800-G-C.
Other names: short protein forms A675G.
Identifiers: ClinVar variation 4705317 (VCV004705317.1).